The following is an entry in ClinVar:

NM_144585.4(SLC22A12):c.661+1G>A

Gene: SLC22A12 (solute carrier family 22 member 12; plus strand). Cytogenetic location: 11q13.1.
Variant type: single nucleotide variant.
Coding change: c.661+1G>A on transcript NM_144585.4 (MANE Select); the canonical splice donor site of the intron after coding-DNA position 661, G replaced by A.
Molecular consequence: splice donor variant. On other transcripts: intron variant (3).
Genome position (GRCh38, 1-based): chr11:64,593,560, G>A. VCF-style: chr11-64593560-G-A. GRCh37 (hg19) VCF-style: chr11-64361032-G-A.
Other names: c.560-75G>A (NM_001276326.2); c.506+678G>A (NM_001276327.2); c.-2-75G>A (NM_153378.3).
Identifiers: ClinVar variation 631663 (VCV000631663.12), dbSNP rs980726718, ClinGen allele CA381121153.
Genomic context (GRCh38, chr11:64,593,560, plus strand): 5'-TGTTCCGCTTCCTGTTGGCCTTTGCCGTGGCAGGCGTCATGATGAACACGGGCACTCTCC[G>A]TAGGTCTCTGACCTGGCGCCATGCAGGGGGGCTCCATGCAGGCTCCAGGGCTGAACCACT-3'

ClinVar aggregate classification (germline): Likely pathogenic (1 of 4 stars; one submission).

Allele frequency attached by ClinVar (database versions not stated): gnomAD exomes 0.00001.
gnomAD v4.1: 17 of 1,614,134 alleles (0.0011%); highest among the groups gnomAD compares: South Asian, 0.0088%; no homozygotes.

Submission:

Labcorp Genetics (formerly Invitae), Labcorp
Classification: Likely pathogenic. Last evaluated: 2020-10-12. Review status: criteria provided, single submitter. Criteria: Invitae Variant Classification Sherloc (09022015). Collection method: clinical testing. Allele origin: germline.
Comment: In summary, the currently available evidence indicates that the variant is pathogenic, but additional data are needed to prove that conclusively. Therefore, this variant has been classified as Likely Pathogenic. This sequence change affects a donor splice site in intron 3 of the SLC22A12 gene. It is expected to disrupt RNA splicing and likely results in an absent or disrupted protein product. This variant is not present in population databases (ExAC no frequency). This variant has been observed in individual(s) with hypouricemia (PMID: 32271837). ClinVar contains an entry for this variant (Variation ID: 631663). Algorithms developed to predict the effect of sequence changes on RNA splicing suggest that this variant may disrupt the consensus splice site, but this prediction has not been confirmed by published transcriptional studies. Donor and acceptor splice site variants typically lead to a loss of protein function (PMID: 16199547), and loss-of-function variants in SLC22A12 are known to be pathogenic (PMID: 14694169).

Literature cited by the submitters: PubMed 32271837; PubMed 16199547; PubMed 14694169.